The following is an entry in ClinVar:

ClinVar aggregate classification (germline): Conflicting classifications of pathogenicity. Review status: criteria provided, conflicting classifications (1 of 4 stars). 2 submissions from 2 submitters: Likely pathogenic (1); Uncertain significance (1). Last evaluated 2023-12-01.

Submissions (2):

CeGaT Center for Human Genetics Tuebingen
Classification: Uncertain significance. Last evaluated: 2023-12-01. Review status: criteria provided, single submitter. Criteria: CeGaT Center For Human Genetics Tuebingen Variant Classification Criteria Version 2. Collection method: clinical testing. Allele origin: germline. Affected: yes. Observed: 1 variant allele.
Comment: SIAH1: PM2, PP2

Hadassah Hebrew University Medical Center
Classification: Likely pathogenic. Review status: criteria provided, single submitter. Criteria: ACMG Guidelines, 2015. Collection method: clinical testing. Allele origin: germline. Inheritance: Autosomal dominant inheritance. Affected: yes.

NM_003031.4(SIAH1):c.529G>C (p.Asp177His)

Genes: LONP2 (lon peptidase 2, peroxisomal; plus strand), SIAH1 (siah E3 ubiquitin protein ligase 1; minus strand). Cytogenetic location: 16q12.1.
Variant type: single nucleotide variant.
Coding change: c.529G>C on transcript NM_003031.4 (MANE Select); coding-DNA position 529, G replaced by C.
Protein change: p.Asp177His; replaces aspartic acid 177 with histidine.
Molecular consequence: missense variant. On other transcripts: 3 prime UTR variant (1).
Genome position (GRCh38, 1-based): chr16:48,361,900, C>G on the plus strand (G>C on the coding strand, the complement: SIAH1 is on the minus strand). VCF-style: chr16-48361900-C-G. GRCh37 (hg19) VCF-style: chr16-48395811-C-G.
Other names: c.622G>C, p.Asp208His (NM_001006610.2); c.*304C>G (NM_001348078.2); short protein forms D177H, D208H.
Identifiers: ClinVar variation 3026675 (VCV003026675.20), dbSNP rs2544513815, ClinGen allele CA396105627.